The following is an entry in ClinVar:

NM_020975.6(RET):c.2232C>G (p.Phe744Leu)

Gene: RET (ret proto-oncogene; plus strand). Cytogenetic location: 10q11.21.
Variant type: single nucleotide variant.
Coding change: c.2232C>G on transcript NM_020975.6 (MANE Select); coding-DNA position 2232, C replaced by G.
Protein change: p.Phe744Leu; replaces phenylalanine 744 with leucine.
Molecular consequence: missense variant.
Genome position (GRCh38, 1-based): chr10:43,116,679, C>G. VCF-style: chr10-43116679-C-G. GRCh37 (hg19) VCF-style: chr10-43612127-C-G.
Other names: c.1944C>G, p.Phe648Leu (NM_001406766.1, NM_001406767.1, NM_001406770.1); c.2232C>G, p.Phe744Leu (NM_000323.2, NM_001406743.1, NM_001406744.1 and 4 more transcripts); c.1470C>G, p.Phe490Leu (NM_001355216.2); c.2103C>G, p.Phe701Leu (NM_001406761.1, NM_001406762.1, NM_001406764.1); c.2097C>G, p.Phe699Leu (NM_001406763.1, NM_001406765.1); c.1968C>G, p.Phe656Leu (NM_001406768.1); c.1836C>G, p.Phe612Leu (NM_001406769.1, NM_001406772.1); c.1794C>G, p.Phe598Leu (NM_001406771.1, NM_001406773.1); and 10 more; short protein forms F744L, F490L, F402L, F405L, F612L, F445L, F569L, F598L.
Identifiers: ClinVar variation 951684 (VCV000951684.15), dbSNP rs766035127, ClinGen allele CA037897.

ClinVar aggregate classification (germline): Uncertain significance. Review status: criteria provided, multiple submitters, no conflicts (2 of 4 stars). 3 submissions from 3 submitters: Uncertain significance (3). Last evaluated 2025-12-21.

Conditions:
Multiple endocrine neoplasia, type 2 (MEN2). Identifiers: Orphanet 653, MedGen C4048306, MONDO:0019003. Disease mechanism: gain of function.
Hereditary cancer-predisposing syndrome. Also called: Tumor predisposition; Hereditary neoplastic syndrome; Neoplastic Syndromes, Hereditary; Hereditary Cancer Syndrome. Identifiers: Orphanet 140162, MedGen C0027672, MeSH D009386, MONDO:0015356.

Allele frequency attached by ClinVar (database versions not stated): ExAC 0.00001; gnomAD 0.00001; gnomAD exomes 0.00001; TOPMed 0.00001.
gnomAD v4.1: 4 of 1,614,048 alleles (0.00025%); highest among the groups gnomAD compares: Non-Finnish European, 0.00034%; no homozygotes.

Submissions (3):

Labcorp Genetics (formerly Invitae), Labcorp
Classification: Uncertain significance for Multiple endocrine neoplasia, type 2. Last evaluated: 2025-12-21. Review status: criteria provided, single submitter. Criteria: Invitae Variant Classification Sherloc (09022015). Collection method: clinical testing. Allele origin: germline.
Comment: This sequence change replaces phenylalanine, which is neutral and non-polar, with leucine, which is neutral and non-polar, at codon 744 of the RET protein (p.Phe744Leu). This variant is present in population databases (rs766035127, gnomAD 0.002%). This variant has not been reported in the literature in individuals affected with RET-related conditions. ClinVar contains an entry for this variant (Variation ID: 951684). An algorithm developed to predict the effect of missense changes on protein structure and function (PolyPhen-2) suggests that this variant is likely to be tolerated. In summary, the available evidence is currently insufficient to determine the role of this variant in disease. Therefore, it has been classified as a Variant of Uncertain Significance.

Ambry Genetics
Classification: Uncertain significance for Hereditary cancer-predisposing syndrome. Last evaluated: 2025-06-08. Review status: criteria provided, single submitter. Criteria: Ambry Variant Classification Scheme 2023. Collection method: clinical testing. Allele origin: germline.
Comment: The p.F744L variant (also known as c.2232C>G), located in coding exon 12 of the RET gene, results from a C to G substitution at nucleotide position 2232. The phenylalanine at codon 744 is replaced by leucine, an amino acid with highly similar properties. This amino acid position is highly conserved in available vertebrate species. In addition, the in silico prediction for this alteration is inconclusive. Since supporting evidence is limited at this time, the clinical significance of this alteration remains unclear.

All of Us Research Program, National Institutes of Health
Classification: Uncertain significance for Multiple endocrine neoplasia, type 2. Last evaluated: 2024-03-05. Review status: criteria provided, single submitter. Criteria: ACMG Guidelines, 2015. Collection method: clinical testing. Allele origin: germline. Inheritance: Autosomal dominant inheritance. Observed: 1 variant allele, 1 heterozygote.
Comment: This study involves interpretation of variants in research participants for the purpose of population health screening. Participant phenotype was not available at the time of variant classification. Additional details can be found in publication PMID: 35346344, PMCID: PMC8962531